The following is an entry in ClinVar:

ClinVar aggregate classification (germline): Uncertain significance (1 of 4 stars; one submission).

Conditions:
Long QT syndrome (LQTS). Identifiers: MedGen C0023976, MeSH D008133, MONDO:0002442. Disease mechanism: loss of function. Inheritance: Various modes of inheritance.

gnomAD v4.1: 6 of 1,303,284 alleles (0.00046%); highest among the groups gnomAD compares: Non-Finnish European, 0.00058%; no homozygotes.

Submission:

Labcorp Genetics (formerly Invitae), Labcorp
Classification: Uncertain significance for Long QT syndrome. Last evaluated: 2025-08-24. Review status: criteria provided, single submitter. Criteria: Invitae Variant Classification Sherloc (09022015). Collection method: clinical testing. Allele origin: germline.
Comment: This sequence change replaces proline, which is neutral and non-polar, with serine, which is neutral and polar, at codon 61 of the KCNQ1 protein (p.Pro61Ser). This variant is not present in population databases (gnomAD no frequency). This variant has not been reported in the literature in individuals affected with KCNQ1-related conditions. ClinVar contains an entry for this variant (Variation ID: 2833441). Invitae Evidence Modeling of protein sequence and biophysical properties (such as structural, functional, and spatial information, amino acid conservation, physicochemical variation, residue mobility, and thermodynamic stability) indicates that this missense variant is not expected to disrupt KCNQ1 protein function with a negative predictive value of 95%. In summary, the available evidence is currently insufficient to determine the role of this variant in disease. Therefore, it has been classified as a Variant of Uncertain Significance.

NM_000218.3(KCNQ1):c.181C>T (p.Pro61Ser)

Gene: KCNQ1 (potassium voltage-gated channel subfamily Q member 1; plus strand). Cytogenetic location: 11p15.5.
Variant type: single nucleotide variant.
Coding change: c.181C>T on transcript NM_000218.3 (MANE Select); coding-DNA position 181, C replaced by T.
Protein change: p.Pro61Ser; replaces proline 61 with serine.
Molecular consequence: missense variant. On other transcripts: 5 prime UTR variant (1).
Genome position (GRCh38, 1-based): chr11:2,445,279, C>T. VCF-style: chr11-2445279-C-T. GRCh37 (hg19) VCF-style: chr11-2466509-C-T.
Other names: c.181C>T, p.Pro61Ser (NM_001406836.1, NM_001406838.1); c.-182C>T (NM_001406837.1); short protein forms P61S.
Identifiers: ClinVar variation 2833441 (VCV002833441.3), dbSNP rs1273257287, ClinGen allele CA379116523.